The following is an entry in ClinVar:

NM_016580.4(PCDH12):c.109T>G (p.Ser37Ala)

Genes: PCDH12 (protocadherin 12; minus strand), RNF14 (ring finger protein 14; plus strand). Cytogenetic location: 5q31.3.
Variant type: single nucleotide variant.
Coding change: c.109T>G on transcript NM_016580.4 (MANE Select); coding-DNA position 109, T replaced by G.
Protein change: p.Ser37Ala; replaces serine 37 with alanine.
Molecular consequence: missense variant.
Genome position (GRCh38, 1-based): chr5:141,957,743, A>C on the plus strand (T>G on the coding strand, the complement: PCDH12 is on the minus strand). VCF-style: chr5-141957743-A-C. GRCh37 (hg19) VCF-style: chr5-141337308-A-C.
Other names: c.109T>G (NM_016580.2); short protein forms S37A.
Identifiers: ClinVar variation 1507483 (VCV001507483.4), dbSNP rs748451394, ClinGen allele CA3484636.

ClinVar aggregate classification (germline): Uncertain significance. Review status: criteria provided, multiple submitters, no conflicts (2 of 4 stars). 2 submissions from 2 submitters: Uncertain significance (2). Last evaluated 2025-08-09.

Conditions:
Inborn genetic diseases. Identifiers: MedGen C0950123, MeSH D030342.

Allele frequency attached by ClinVar (database versions not stated): gnomAD exomes below 0.00001 and 0.00002; ExAC 0.00001; TOPMed 0.00001; gnomAD 0.00002.
gnomAD v4.1: 7 of 1,613,326 alleles (0.00043%); highest among the groups gnomAD compares: East Asian, 0.0089%; no homozygotes.

Submissions (2):

Ambry Genetics
Classification: Uncertain significance for Inborn genetic diseases. Last evaluated: 2025-08-09. Review status: criteria provided, single submitter. Criteria: Ambry Variant Classification Scheme 2023. Collection method: clinical testing. Allele origin: germline.

Labcorp Genetics (formerly Invitae), Labcorp
Classification: Uncertain significance. Last evaluated: 2022-07-12. Review status: criteria provided, single submitter. Criteria: Invitae Variant Classification Sherloc (09022015). Collection method: clinical testing. Allele origin: germline.
Comment: This sequence change replaces serine, which is neutral and polar, with alanine, which is neutral and non-polar, at codon 37 of the PCDH12 protein (p.Ser37Ala). This variant is present in population databases (rs748451394, gnomAD 0.03%). This variant has not been reported in the literature in individuals affected with PCDH12-related conditions. ClinVar contains an entry for this variant (Variation ID: 1507483). Advanced modeling of protein sequence and biophysical properties (such as structural, functional, and spatial information, amino acid conservation, physicochemical variation, residue mobility, and thermodynamic stability) performed at Invitae indicates that this missense variant is not expected to disrupt PCDH12 protein function. In summary, the available evidence is currently insufficient to determine the role of this variant in disease. Therefore, it has been classified as a Variant of Uncertain Significance.